The following is an entry in ClinVar:

NM_006767.4(LZTR1):c.1973A>G (p.Tyr658Cys)

Gene: LZTR1 (leucine zipper like post translational regulator 1; plus strand). Cytogenetic location: 22q11.21.
Variant type: single nucleotide variant.
Coding change: c.1973A>G on transcript NM_006767.4 (MANE Select); coding-DNA position 1973, A replaced by G.
Protein change: p.Tyr658Cys; replaces tyrosine 658 with cysteine.
Molecular consequence: missense variant.
Genome position (GRCh38, 1-based): chr22:20,995,776, A>G. VCF-style: chr22-20995776-A-G. GRCh37 (hg19) VCF-style: chr22-21350065-A-G.
Other names: short protein forms Y658C.
Identifiers: ClinVar variation 4101826 (VCV004101826.1).

ClinVar aggregate classification (germline): Uncertain significance (1 of 4 stars; one submission).

Conditions:
Cardiovascular phenotype. Identifiers: MedGen CN230736.
Hereditary cancer-predisposing syndrome. Also called: Tumor predisposition; Neoplastic Syndromes, Hereditary; Hereditary neoplastic syndrome; Hereditary Cancer Syndrome. Identifiers: Orphanet 140162, MedGen C0027672, MeSH D009386, MONDO:0015356.

Submission:

Ambry Genetics
Classification: Uncertain significance for Cardiovascular phenotype; Hereditary cancer-predisposing syndrome. Last evaluated: 2025-06-24. Review status: criteria provided, single submitter. Criteria: Ambry Variant Classification Scheme 2023. Collection method: clinical testing. Allele origin: germline.
Comment: The p.Y658C variant (also known as c.1973A>G), located in coding exon 17 of the LZTR1 gene, results from an A to G substitution at nucleotide position 1973. The tyrosine at codon 658 is replaced by cysteine, an amino acid with highly dissimilar properties. This amino acid position is conserved. In addition, the in silico prediction for this alteration is inconclusive. Based on the available evidence, the clinical significance of this variant remains unclear.